The following is an entry in ClinVar:

NM_000245.4(MET):c.2246C>T (p.Pro749Leu)

Gene: MET (MET proto-oncogene, receptor tyrosine kinase; plus strand). Cytogenetic location: 7q31.2.
Variant type: single nucleotide variant.
Coding change: c.2246C>T on transcript NM_000245.4 (MANE Select); coding-DNA position 2246, C replaced by T.
Protein change: p.Pro749Leu; replaces proline 749 with leucine.
Molecular consequence: missense variant.
Genome position (GRCh38, 1-based): chr7:116,758,602, C>T. VCF-style: chr7-116758602-C-T. GRCh37 (hg19) VCF-style: chr7-116398656-C-T.
Other names: c.2246C>T, p.Pro749Leu (NM_001127500.3, NM_001324401.3); c.956C>T, p.Pro319Leu (NM_001324402.2); short protein forms P319L, P749L.
Identifiers: ClinVar variation 955118 (VCV000955118.9), dbSNP rs1794279427, ClinGen allele CA368980862.

ClinVar aggregate classification (germline): Uncertain significance (1 of 4 stars; one submission).

Conditions:
Renal cell carcinoma. Identifiers: Orphanet 217071, MedGen C0007134, MeSH D002292, MONDO:0005086, HP:0005584.

Allele frequency attached by ClinVar (database versions not stated): gnomAD exomes below 0.00001.
gnomAD v4.1: 1 of 1,613,566 alleles (0.000062%); highest among the groups gnomAD compares: Non-Finnish European, 0.000085%; no homozygotes.

Submission:

Labcorp Genetics (formerly Invitae), Labcorp
Classification: Uncertain significance for Renal cell carcinoma. Last evaluated: 2025-07-13. Review status: criteria provided, single submitter. Criteria: Invitae Variant Classification Sherloc (09022015). Collection method: clinical testing. Allele origin: germline.
Comment: This sequence change replaces proline, which is neutral and non-polar, with leucine, which is neutral and non-polar, at codon 749 of the MET protein (p.Pro749Leu). This variant is not present in population databases (gnomAD no frequency). This variant has not been reported in the literature in individuals affected with MET-related conditions. ClinVar contains an entry for this variant (Variation ID: 955118). Invitae Evidence Modeling of protein sequence and biophysical properties (such as structural, functional, and spatial information, amino acid conservation, physicochemical variation, residue mobility, and thermodynamic stability) indicates that this missense variant is expected to disrupt MET protein function with a positive predictive value of 80%. In summary, the available evidence is currently insufficient to determine the role of this variant in disease. Therefore, it has been classified as a Variant of Uncertain Significance.